The following is an entry in ClinVar:

ClinVar aggregate classification (germline): Uncertain significance. Review status: criteria provided, multiple submitters, no conflicts (2 of 4 stars). 3 submissions from 3 submitters: Uncertain significance (3). Last evaluated 2022-10-24.

Conditions:
Inborn genetic diseases. Identifiers: MedGen C0950123, MeSH D030342.
Hereditary spastic paraplegia 48. Also called: SPASTIC PARAPLEGIA 48, AUTOSOMAL RECESSIVE; Spastic paraplegia 48. Identifiers: Orphanet 306511, MedGen C3150901, MONDO:0013342, OMIM 613647.

Allele frequency attached by ClinVar (database versions not stated): gnomAD exomes below 0.00001 and 0.00004; TOPMed 0.00002; gnomAD 0.00003.
gnomAD v4.1: 59 of 1,611,398 alleles (0.0037%); highest among the groups gnomAD compares: Non-Finnish European, 0.0047%; no homozygotes.

Submissions (3):

Labcorp Genetics (formerly Invitae), Labcorp
Classification: Uncertain significance for Hereditary spastic paraplegia 48. Last evaluated: 2022-10-24. Review status: criteria provided, single submitter. Criteria: Invitae Variant Classification Sherloc (09022015). Collection method: clinical testing. Allele origin: germline.
Comment: In summary, the available evidence is currently insufficient to determine the role of this variant in disease. Therefore, it has been classified as a Variant of Uncertain Significance. Advanced modeling of protein sequence and biophysical properties (such as structural, functional, and spatial information, amino acid conservation, physicochemical variation, residue mobility, and thermodynamic stability) performed at Invitae indicates that this missense variant is expected to disrupt AP5Z1 protein function. ClinVar contains an entry for this variant (Variation ID: 1033303). This variant has not been reported in the literature in individuals affected with AP5Z1-related conditions. This variant is present in population databases (no rsID available, gnomAD 0.0009%). This sequence change replaces arginine, which is basic and polar, with tryptophan, which is neutral and slightly polar, at codon 294 of the AP5Z1 protein (p.Arg294Trp).

Ambry Genetics
Classification: Uncertain significance for Inborn genetic diseases. Last evaluated: 2022-04-01. Review status: criteria provided, single submitter. Criteria: Ambry Variant Classification Scheme 2023. Collection method: clinical testing. Allele origin: germline.

Baylor Genetics
Classification: Uncertain significance for Hereditary spastic paraplegia 48. Last evaluated: 2018-10-15. Review status: criteria provided, single submitter. Criteria: ACMG Guidelines, 2015. Collection method: clinical testing. Allele origin: unknown. Affected: yes.
Comment: This variant was determined to be of uncertain significance according to ACMG Guidelines, 2015 [PMID:25741868].

NM_014855.3(AP5Z1):c.880C>T (p.Arg294Trp)

Gene: AP5Z1 (adaptor related protein complex 5 subunit zeta 1; plus strand). Cytogenetic location: 7p22.1.
Variant type: single nucleotide variant.
Coding change: c.880C>T on transcript NM_014855.3 (MANE Select); coding-DNA position 880, C replaced by T.
Protein change: p.Arg294Trp; replaces arginine 294 with tryptophan.
Molecular consequence: missense variant. On other transcripts: non-coding transcript variant (1).
Genome position (GRCh38, 1-based): chr7:4,784,997, C>T. VCF-style: chr7-4784997-C-T. GRCh37 (hg19) VCF-style: chr7-4824628-C-T.
Other names: c.412C>T, p.Arg138Trp (NM_001364858.1); short protein forms R294W, R138W.
Identifiers: ClinVar variation 1033303 (VCV001033303.6), dbSNP rs1196396832, ClinGen allele CA366660981.
Genomic context (GRCh38, chr7:4,784,997, plus strand): 5'-CTGTCGGTGATCTCCGCCACCTCCTCTGCCGGCCGCCTGCTGCCGCCCCGGGAGCGGCTT[C>T]GGGAGGTGGCCTTCGAGTACTGCCAGCGCCTCATTGAGCAAAGTAACCGACGTGAGTCCC-3'
Protein context (NP_055670.1, residues 284-304): GRLLPPRERL[Arg294Trp]EVAFEYCQRL